The following is an entry in ClinVar:

NM_000506.5(F2):c.495G>A (p.Thr165=)

Gene: F2 (coagulation factor II, thrombin; plus strand). Cytogenetic location: 11p11.2.
Variant type: single nucleotide variant.
Coding change: c.495G>A on transcript NM_000506.5 (MANE Select); coding-DNA position 495, G replaced by A.
Protein change: p.Thr165=; no amino-acid change (threonine 165 retained).
Molecular consequence: synonymous variant.
Genome position (GRCh38, 1-based): chr11:46,723,454, G>A. VCF-style: chr11-46723454-G-A. GRCh37 (hg19) VCF-style: chr11-46745004-G-A.
Other names: c.495G>A (NM_000506.4).
Identifiers: ClinVar variation 756801 (VCV000756801.55), dbSNP rs144857547, ClinGen allele CA5966963.

ClinVar aggregate classification (germline): Conflicting classifications of pathogenicity. Review status: criteria provided, conflicting classifications (1 of 4 stars). 8 submissions from 7 submitters: Uncertain significance (2); Benign (1); Likely benign (5). Last evaluated 2026-09-11.

Conditions:
Inborn genetic diseases. Identifiers: MedGen C0950123, MeSH D030342.
F2-related disorder. Also called: F2-related disorders; F2-related condition.
Congenital prothrombin deficiency. Also called: Inherited hypoprothrombinemia; Congenital factor II deficiency; Inherited prothrombin deficiency; HYPOPROTHROMBINEMIA; Hereditary factor II deficiency disease; Factor II deficiency. Identifiers: Orphanet 325, MedGen C0272317, MONDO:0013361, OMIM 613679.
Thrombophilia due to thrombin defect (THPH1). Also called: Thrombosis susceptibility; THROMBOPHILIA DUE TO FACTOR 2 DEFECT; Prothrombin-Related Thrombophilia (Factor II); Prothrombin Thrombophilia. Identifiers: MedGen C3160733, MONDO:0008559, OMIM 188050. Disease mechanism: gain of function, loss of function.

Allele frequency attached by ClinVar (database versions not stated): ESP Exome Variant Server 0.00015; TOPMed 0.00016; gnomAD 0.00021 and 0.00023; gnomAD exomes 0.00031 and 0.00037; ExAC 0.00034.

Submissions (8):

PreventionGenetics, part of Exact Sciences
Classification: Likely benign for F2-related condition. Last evaluated: 2026-09-11. Review status: criteria provided, single submitter. Criteria: ACMG Guidelines, 2015. Collection method: clinical testing. Allele origin: germline.
Comment: This variant is classified as likely benign based on ACMG/AMP sequence variant interpretation guidelines (Richards et al. 2015 PMID: 25741868, with internal and published modifications).

Labcorp Genetics (formerly Invitae), Labcorp
Classification: Likely benign for Congenital prothrombin deficiency. Last evaluated: 2026-01-19. Review status: criteria provided, single submitter. Criteria: Invitae Variant Classification Sherloc (09022015). Collection method: clinical testing. Allele origin: germline.

Laboratory of Genetics, Children's Clinical University Hospital Latvia
Classification: Benign. Last evaluated: 2025-02-16. Review status: criteria provided, single submitter. Criteria: ACMG Guidelines, 2015. Collection method: clinical testing. Allele origin: germline. Affected: yes.

Blueprint Genetics
Classification: Likely benign. Last evaluated: 2024-11-21. Review status: criteria provided, single submitter. Criteria: ACMG Guidelines, 2015. Collection method: clinical testing. Allele origin: germline.

CeGaT Center for Human Genetics Tuebingen
Classification: Likely benign. Last evaluated: 2024-08-01. Review status: criteria provided, single submitter. Criteria: CeGaT Center For Human Genetics Tuebingen Variant Classification Criteria Version 2. Collection method: clinical testing. Allele origin: germline. Affected: yes. Observed: 2 variant alleles.
Comment: F2: BP4, BP7

Ambry Genetics
Classification: Likely benign for Inborn genetic diseases. Last evaluated: 2024-05-23. Review status: criteria provided, single submitter. Criteria: Ambry Variant Classification Scheme 2023. Collection method: clinical testing. Allele origin: germline.

Illumina Laboratory Services, Illumina
Classification: Uncertain significance for Thrombophilia due to thrombin defect. Last evaluated: 2018-01-13. Review status: criteria provided, single submitter. Criteria: ICSL Variant Classification Criteria 13 December 2019. Collection method: clinical testing. Allele origin: germline.

Illumina Laboratory Services, Illumina
Classification: Uncertain significance for Congenital prothrombin deficiency. Last evaluated: 2018-01-13. Review status: criteria provided, single submitter. Criteria: ICSL Variant Classification Criteria 13 December 2019. Collection method: clinical testing. Allele origin: germline.